The following is an entry in ClinVar:

NM_000021.4(PSEN1):c.936T>G (p.Asn312Lys)

Gene: PSEN1 (presenilin 1; plus strand). Cytogenetic location: 14q24.2.
Variant type: single nucleotide variant.
Coding change: c.936T>G on transcript NM_000021.4 (MANE Select); coding-DNA position 936, T replaced by G.
Protein change: p.Asn312Lys; replaces asparagine 312 with lysine.
Molecular consequence: missense variant.
Genome position (GRCh38, 1-based): chr14:73,206,453, T>G. VCF-style: chr14-73206453-T-G. GRCh37 (hg19) VCF-style: chr14-73673161-T-G.
Other names: c.924T>G, p.Asn308Lys (NM_007318.3); short protein forms N308K, N312K.
Identifiers: ClinVar variation 2124579 (VCV002124579.4), dbSNP rs763180479, ClinGen allele CA390304992.

ClinVar aggregate classification (germline): Uncertain significance (1 of 4 stars; one submission).

Conditions:
Frontotemporal dementia (FTD1). Also called: Frontotemporal Dementia with Parkinsonism-17 (FTDP-17); WILHELMSEN-LYNCH DISEASE; FRONTOTEMPORAL DEMENTIA WITH PARKINSONISM; FRONTOTEMPORAL LOBE DEMENTIA; FRONTOTEMPORAL LOBAR DEGENERATION WITH TAU INCLUSIONS; FTLD WITH TAU INCLUSIONS. Identifiers: Orphanet 282, MedGen C0338451, MONDO:0017276, OMIM 600274, HP:0002145.
Pick disease. Also called: Pick's disease; DEMENTIA WITH LOBAR ATROPHY AND NEURONAL CYTOPLASMIC INCLUSIONS; PICK DISEASE OF BRAIN; Pick Disease of the Brain; LOBAR ATROPHY OF BRAIN. Identifiers: Orphanet 282, MedGen C0236642, MONDO:0008243, OMIM 172700.
Acne inversa, familial, 3 (ACNINV3). Identifiers: MedGen C3151038, MONDO:0013398, OMIM 613737.
Alzheimer disease 3 (AD3). Also called: ALZHEIMER DISEASE, FAMILIAL, 3. Identifiers: Orphanet 1020, MedGen C1843013, MONDO:0011913, OMIM 607822.

Submission:

Labcorp Genetics (formerly Invitae), Labcorp
Classification: Uncertain significance for Alzheimer disease 3; Pick disease; Acne inversa, familial, 3; Frontotemporal dementia. Last evaluated: 2022-04-11. Review status: criteria provided, single submitter. Criteria: Invitae Variant Classification Sherloc (09022015). Collection method: clinical testing. Allele origin: germline.
Comment: In summary, the available evidence is currently insufficient to determine the role of this variant in disease. Therefore, it has been classified as a Variant of Uncertain Significance. Advanced modeling of protein sequence and biophysical properties (such as structural, functional, and spatial information, amino acid conservation, physicochemical variation, residue mobility, and thermodynamic stability) performed at Invitae indicates that this missense variant is not expected to disrupt PSEN1 protein function. This variant has not been reported in the literature in individuals affected with PSEN1-related conditions. This variant is not present in population databases (gnomAD no frequency). This sequence change replaces asparagine, which is neutral and polar, with lysine, which is basic and polar, at codon 312 of the PSEN1 protein (p.Asn312Lys).